The following is an entry in ClinVar:

NC_000008.11:g.(?_99274178)_(99577653_?)del

Genes: MIR599 (microRNA 599; minus strand), MIR875 (microRNA 875; minus strand), VPS13B (vacuolar protein sorting 13 homolog B; plus strand). Cytogenetic location: 8q22.2.
Variant type: Deletion.
Identifiers: ClinVar variation 657371 (VCV000657371.1).

ClinVar aggregate classification (germline): Pathogenic (1 of 4 stars; one submission).

Conditions:
Cohen syndrome (COH1). Also called: PEPPER SYNDROME; Cutis verticis gyrata, retinitis pigmentosa, and sensorineural deafness. Identifiers: Orphanet 193, MedGen C0265223, MONDO:0008999, OMIM 216550.

Submission:

Labcorp Genetics (formerly Invitae), Labcorp
Classification: Pathogenic for Cohen syndrome. Last evaluated: 2018-09-22. Review status: criteria provided, single submitter. Criteria: Invitae Variant Classification Sherloc (09022015). Collection method: clinical testing. Allele origin: germline.
Comment: This variant is an out-of-frame deletion of the genomic region encompassing exons 18-33 of the VPS13B gene. This is expected to create a premature translational stop signal and result in an absent or disrupted protein product. This variant has not been reported in the literature in individuals with VPS13B-related disease. Loss-of-function variants in VPS13B are known to be pathogenic (PMID: 15141358, 16648375, 20461111). For these reasons, this variant has been classified as Pathogenic.